The following is an entry in ClinVar:

ClinVar aggregate classification (germline): Uncertain significance (1 of 4 stars; one submission).

Allele frequency attached by ClinVar (database versions not stated): TOPMed 0.00001.

Submission:

Labcorp Genetics (formerly Invitae), Labcorp
Classification: Uncertain significance. Last evaluated: 2025-09-08. Review status: criteria provided, single submitter. Criteria: Invitae Variant Classification Sherloc (09022015). Collection method: clinical testing. Allele origin: germline.
Comment: This sequence change replaces phenylalanine, which is neutral and non-polar, with leucine, which is neutral and non-polar, at codon 425 of the TYRP1 protein (p.Phe425Leu). This variant is not present in population databases (gnomAD no frequency). This variant has not been reported in the literature in individuals affected with TYRP1-related conditions. ClinVar contains an entry for this variant (Variation ID: 1975537). Invitae Evidence Modeling of protein sequence and biophysical properties (such as structural, functional, and spatial information, amino acid conservation, physicochemical variation, residue mobility, and thermodynamic stability) indicates that this missense variant is not expected to disrupt TYRP1 protein function with a negative predictive value of 80%. In summary, the available evidence is currently insufficient to determine the role of this variant in disease. Therefore, it has been classified as a Variant of Uncertain Significance.

NM_000550.3(TYRP1):c.1275T>A (p.Phe425Leu)

Genes: LURAP1L-AS1 (LURAP1L antisense RNA 1; minus strand), TYRP1 (tyrosinase related protein 1; plus strand). Cytogenetic location: 9p23.
Variant type: single nucleotide variant.
Coding change: c.1275T>A on transcript NM_000550.3 (MANE Select); coding-DNA position 1275, T replaced by A.
Protein change: p.Phe425Leu; replaces phenylalanine 425 with leucine.
Molecular consequence: missense variant.
Genome position (GRCh38, 1-based): chr9:12,708,010, T>A. VCF-style: chr9-12708010-T-A. GRCh37 (hg19) VCF-style: chr9-12708010-T-A.
Other names: short protein forms F425L.
Identifiers: ClinVar variation 1975537 (VCV001975537.5), dbSNP rs1818287046, ClinGen allele CA372943702.
Genomic context (GRCh38, chr9:12,708,010, plus strand): 5'-ATTAATTTTATTATGTTTATTAATACGTTGTCTTTGGAATAATTTAGATATATCCACATT[T>A]CCATTGGAAAATGCCCCTATTGGACATAATAGACAATACAACATGGTGCCATTCTGGCCC-3'
Protein context (NP_000541.1, residues 415-435): LRRYNADIST[Phe425Leu]PLENAPIGHN